The following is an entry in ClinVar:

ClinVar aggregate classification (germline): Likely benign (1 of 4 stars; one submission).

Conditions:
T-B+ severe combined immunodeficiency due to JAK3 deficiency. Also called: SCID, autosomal recessive, T-negative/B-positive type; SCID, T CELL-NEGATIVE, B CELL-POSITIVE, NK CELL-NEGATIVE. Identifiers: Orphanet 35078, MedGen C1833275, MONDO:0010938, OMIM 600802.

Allele frequency attached by ClinVar (database versions not stated): gnomAD exomes 0.00017; TOPMed 0.00042; 1000 Genomes Project 0.00180; gnomAD 0.00020 and 0.00023; 1000 Genomes Project 30x 0.00187.
gnomAD v4.1: 58 of 229,646 alleles (0.025%); highest among the groups gnomAD compares: East Asian, 0.26%; 1 homozygote.

Submission:

Illumina Laboratory Services, Illumina
Classification: Likely benign for T-B+ severe combined immunodeficiency due to JAK3 deficiency. Last evaluated: 2018-01-13. Review status: criteria provided, single submitter. Criteria: ICSL Variant Classification Criteria 13 December 2019. Collection method: clinical testing. Allele origin: germline.
Comment: This variant was observed in the ICSL laboratory as part of a predisposition screen in an ostensibly healthy population. It had not been previously curated by ICSL or reported in the Human Gene Mutation Database (HGMD: prior to June 1st, 2018), and was therefore a candidate for classification through an automated scoring system. Utilizing variant allele frequency, disease prevalence and penetrance estimates, and inheritance mode, an automated score was calculated to assess if this variant is too frequent to cause the disease. Based on the score and internal cut-off values, a variant classified as likely benign is not then subjected to further curation. The score for this variant resulted in a classification of likely benign for this disease.

NM_000215.4(JAK3):c.*1548C>T

Gene: JAK3 (Janus kinase 3; minus strand). Cytogenetic location: 19p13.11.
Variant type: single nucleotide variant.
Coding change: c.*1548C>T on transcript NM_000215.4 (MANE Select); 1548 bases downstream of the stop codon, C replaced by T.
Molecular consequence: 3 prime UTR variant.
Genome position (GRCh38, 1-based): chr19:17,825,195, G>A on the plus strand (C>T on the coding strand, the complement: JAK3 is on the minus strand). VCF-style: chr19-17825195-G-A. GRCh37 (hg19) VCF-style: chr19-17936004-G-A.
Identifiers: ClinVar variation 328466 (VCV000328466.5), dbSNP rs191522931, ClinGen allele CA10651605.
Genomic context (GRCh38, chr19:17,825,195, plus strand): 5'-GGGTAAGCTCTGACCATTTTGCAGGGGACAGAACTGAGACCCAGAGAGGGAAAGGAACTT[G>A]CCCACTGTCACACTGCATGGAAGGGGCAAAACTGTAGGCTCCAATACTTGGGCTCTTAAC-3'